The following is an entry in ClinVar:

ClinVar aggregate classification (germline): Uncertain significance. Review status: criteria provided, multiple submitters, no conflicts (2 of 4 stars). 2 submissions from 2 submitters: Uncertain significance (2). Last evaluated 2025-09-10.

Allele frequency attached by ClinVar (database versions not stated): TOPMed below 0.00001; ExAC 0.00002.
gnomAD v4.1: 31 of 1,614,200 alleles (0.0019%); highest among the groups gnomAD compares: Non-Finnish European, 0.0025%; no homozygotes.

Submissions (2):

Labcorp Genetics (formerly Invitae), Labcorp
Classification: Uncertain significance. Last evaluated: 2025-09-10. Review status: criteria provided, single submitter. Criteria: Invitae Variant Classification Sherloc (09022015). Collection method: clinical testing. Allele origin: germline.
Comment: This sequence change replaces serine, which is neutral and polar, with tyrosine, which is neutral and polar, at codon 348 of the IL2RB protein (p.Ser348Tyr). This variant is present in population databases (rs768733522, gnomAD 0.002%). This variant has not been reported in the literature in individuals affected with IL2RB-related conditions. ClinVar contains an entry for this variant (Variation ID: 2150370). An algorithm developed to predict the effect of missense changes on protein structure and function (PolyPhen-2) suggests that this variant is likely to be tolerated. In summary, the available evidence is currently insufficient to determine the role of this variant in disease. Therefore, it has been classified as a Variant of Uncertain Significance.

Ambry Genetics
Classification: Uncertain significance. Last evaluated: 2024-12-16. Review status: criteria provided, single submitter. Criteria: Ambry Variant Classification Scheme 2023. Collection method: clinical testing. Allele origin: germline.

NM_000878.5(IL2RB):c.1043C>A (p.Ser348Tyr)

Gene: IL2RB (interleukin 2 receptor subunit beta; minus strand). Cytogenetic location: 22q12.3.
Variant type: single nucleotide variant.
Coding change: c.1043C>A on transcript NM_000878.5 (MANE Select); coding-DNA position 1043, C replaced by A.
Protein change: p.Ser348Tyr; replaces serine 348 with tyrosine.
Molecular consequence: missense variant.
Genome position (GRCh38, 1-based): chr22:37,128,709, G>T on the plus strand (C>A on the coding strand, the complement: IL2RB is on the minus strand). VCF-style: chr22-37128709-G-T. GRCh37 (hg19) VCF-style: chr22-37524749-G-T.
Other names: c.1043C>A (NM_000878.2); c.1043C>A, p.Ser348Tyr (NM_001346222.1, NM_001346223.2); short protein forms S348Y.
Identifiers: ClinVar variation 2150370 (VCV002150370.5), dbSNP rs768733522, ClinGen allele CA10216432.
Genomic context (GRCh38, chr22:37,128,709, plus strand): 5'-TGGAAGAAGAAGTAACCCTGGTTGGTGAAGCAGCTGGTCAGCGAGTGGTTGCTGCTTAAG[G>T]ATGCGGGCTCAGGCACCTTGTCCTGCTGCAGGAGCAGCTGCGTCACCTTGTCCCTCTCCA-3'
Protein context (NP_000869.1, residues 338-358): LQQDKVPEPA[Ser348Tyr]LSSNHSLTSC